The following is an entry in ClinVar:

NM_005006.7(NDUFS1):c.827G>A (p.Arg276His)

Gene: NDUFS1 (NADH:ubiquinone oxidoreductase core subunit S1; minus strand). Cytogenetic location: 2q33.3.
Variant type: single nucleotide variant.
Coding change: c.827G>A on transcript NM_005006.7 (MANE Select); coding-DNA position 827, G replaced by A.
Protein change: p.Arg276His; replaces arginine 276 with histidine.
Molecular consequence: missense variant.
Genome position (GRCh38, 1-based): chr2:206,144,937, C>T on the plus strand (G>A on the coding strand, the complement: NDUFS1 is on the minus strand). VCF-style: chr2-206144937-C-T. GRCh37 (hg19) VCF-style: chr2-207009661-C-T.
Other names: c.719G>A, p.Arg240His (NM_001199981.2); c.494G>A, p.Arg165His (NM_001199982.2); c.656G>A, p.Arg219His (NM_001199983.2); c.869G>A, p.Arg290His (NM_001199984.2); short protein forms R219H, R165H, R290H, R240H, R276H.
Identifiers: ClinVar variation 1944055 (VCV001944055.6), dbSNP rs138779481, ClinGen allele CA2070649.

ClinVar aggregate classification (germline): Uncertain significance. Review status: criteria provided, multiple submitters, no conflicts (2 of 4 stars). 2 submissions from 2 submitters: Uncertain significance (2). Last evaluated 2023-07-17.

Conditions:
Inborn genetic diseases. Identifiers: MedGen C0950123, MeSH D030342.

Allele frequency attached by ClinVar (database versions not stated): gnomAD exomes 0.00001; ExAC 0.00002; gnomAD 0.00003; TOPMed 0.00003; ESP Exome Variant Server 0.00008.
gnomAD v4.1: 28 of 1,613,928 alleles (0.0017%); highest among the groups gnomAD compares: South Asian, 0.0022%; no homozygotes.

Submissions (2):

Labcorp Genetics (formerly Invitae), Labcorp
Classification: Uncertain significance. Last evaluated: 2023-07-17. Review status: criteria provided, single submitter. Criteria: Invitae Variant Classification Sherloc (09022015). Collection method: clinical testing. Allele origin: germline.
Comment: In summary, the available evidence is currently insufficient to determine the role of this variant in disease. Therefore, it has been classified as a Variant of Uncertain Significance. Advanced modeling of protein sequence and biophysical properties (such as structural, functional, and spatial information, amino acid conservation, physicochemical variation, residue mobility, and thermodynamic stability) performed at Invitae indicates that this missense variant is expected to disrupt NDUFS1 protein function. ClinVar contains an entry for this variant (Variation ID: 1944055). This variant has not been reported in the literature in individuals affected with NDUFS1-related conditions. This variant is present in population databases (rs138779481, gnomAD 0.003%). This sequence change replaces arginine, which is basic and polar, with histidine, which is basic and polar, at codon 276 of the NDUFS1 protein (p.Arg276His).

Ambry Genetics
Classification: Uncertain significance for Inborn genetic diseases. Last evaluated: 2022-05-04. Review status: criteria provided, single submitter. Criteria: Ambry Variant Classification Scheme 2023. Collection method: clinical testing. Allele origin: germline.